The following is an entry in ClinVar:

NM_017415.3(KLHL3):c.1670A>G (p.Tyr557Cys)

Gene: KLHL3 (kelch like family member 3; minus strand). Cytogenetic location: 5q31.2.
Variant type: single nucleotide variant.
Coding change: c.1670A>G on transcript NM_017415.3 (MANE Select); coding-DNA position 1670, A replaced by G.
Protein change: p.Tyr557Cys; replaces tyrosine 557 with cysteine.
Molecular consequence: missense variant.
Genome position (GRCh38, 1-based): chr5:137,625,818, T>C on the plus strand (A>G on the coding strand, the complement: KLHL3 is on the minus strand). VCF-style: chr5-137625818-T-C. GRCh37 (hg19) VCF-style: chr5-136961507-T-C.
Other names: c.1574A>G, p.Tyr525Cys (NM_001257194.1); c.1424A>G, p.Tyr475Cys (NM_001257195.2); short protein forms Y557C, Y475C, Y525C.
Identifiers: ClinVar variation 30521 (VCV000030521.6), dbSNP rs199469645, ClinGen allele CA129307.

ClinVar aggregate classification (germline): Uncertain significance. Review status: criteria provided, single submitter (1 of 4 stars). 3 submissions from 3 submitters: Uncertain significance (1). 2 of the submissions do not count toward it. Last evaluated 2023-12-15.

Conditions:
Pseudohypoaldosteronism type 2D (PHA2D). Also called: Pseudohypoaldosteronism Type IID; FAMILIAL HYPERKALEMIC HYPERTENSION; PSEUDOHYPOALDOSTERONISM, TYPE IID, AUTOSOMAL DOMINANT OR RECESSIVE. Identifiers: Orphanet 300525, Orphanet 757, MedGen C3469605, MONDO:0013781, OMIM 614495.
Pseudohypoaldosteronism type 2A (PHA2A). Also called: HYPERTENSIVE HYPERKALEMIA, FAMILIAL; GORDON HYPERKALEMIA-HYPERTENSION SYNDROME. Identifiers: Orphanet 757, Orphanet 88938, MedGen C1840389, MONDO:0007772, OMIM 145260.

Allele frequency attached by ClinVar (database versions not stated): gnomAD 0.00001; gnomAD exomes 0.00001; TOPMed 0.00001.
gnomAD v4.1: 19 of 1,614,046 alleles (0.0012%); highest among the groups gnomAD compares: Non-Finnish European, 0.0016%; no homozygotes.

Submissions (3):

Labcorp Genetics (formerly Invitae), Labcorp
Classification: Uncertain significance. Last evaluated: 2023-12-15. Review status: criteria provided, single submitter. Criteria: Invitae Variant Classification Sherloc (09022015). Collection method: clinical testing. Allele origin: germline.
Comment: This sequence change replaces tyrosine, which is neutral and polar, with cysteine, which is neutral and slightly polar, at codon 557 of the KLHL3 protein (p.Tyr557Cys). This variant is not present in population databases (gnomAD no frequency). This missense change has been observed in individual(s) with pseudohypoaldosteronism type II (PMID: 22266938). ClinVar contains an entry for this variant (Variation ID: 30521). Advanced modeling of protein sequence and biophysical properties (such as structural, functional, and spatial information, amino acid conservation, physicochemical variation, residue mobility, and thermodynamic stability) performed at Invitae indicates that this missense variant is expected to disrupt KLHL3 protein function with a positive predictive value of 80%. In summary, the available evidence is currently insufficient to determine the role of this variant in disease. Therefore, it has been classified as a Variant of Uncertain Significance.

OMIM
Classification: Pathogenic for PSEUDOHYPOALDOSTERONISM, TYPE IID, AUTOSOMAL RECESSIVE. Last evaluated: 2012-01-22. Review status: no assertion criteria provided. Collection method: literature only. Allele origin: germline. Not counted in ClinVar's aggregate classification.

Richard Lifton Laboratory, Yale University School of Medicine
Classification: Pathogenic for Pseudohypoaldosteronism, type 2. Review status: no assertion criteria provided. Collection method: not provided. Allele origin: germline. Not counted in ClinVar's aggregate classification.
Comment: recessive;Kelch propeller domain
ClinVar note: Converted during submission from pathogenic to Pathogenic.

Literature cited by the submitters: PubMed 22266938 (cited by Labcorp Genetics (formerly Invitae), Labcorp and OMIM).